The following is an entry in ClinVar:

NM_000057.4(BLM):c.2555+1G>A

Gene: BLM (BLM RecQ like helicase; plus strand). Cytogenetic location: 15q26.1.
Variant type: single nucleotide variant.
Coding change: c.2555+1G>A on transcript NM_000057.4 (MANE Select); the canonical splice donor site of the intron after coding-DNA position 2555, G replaced by A.
Molecular consequence: splice donor variant.
Genome position (GRCh38, 1-based): chr15:90,769,587, G>A. VCF-style: chr15-90769587-G-A. GRCh37 (hg19) VCF-style: chr15-91312817-G-A.
Other names: c.2555+1G>A (NM_001287246.2, NM_001287247.2); c.1430+1G>A (NM_001287248.2).
Identifiers: ClinVar variation 1793000 (VCV001793000.8), dbSNP rs1555420917, ClinGen allele CA393845568.

ClinVar aggregate classification (germline): Likely pathogenic. Review status: criteria provided, multiple submitters, no conflicts (2 of 4 stars). 3 submissions from 3 submitters: Likely pathogenic (3). Last evaluated 2023-04-18.

Conditions:
Hereditary cancer-predisposing syndrome. Also called: Tumor predisposition; Hereditary Cancer Syndrome; Neoplastic Syndromes, Hereditary; Hereditary neoplastic syndrome. Identifiers: Orphanet 140162, MedGen C0027672, MeSH D009386, MONDO:0015356.
Bloom syndrome (BLM). Also called: Bloom-Torre-Machacek syndrome. Identifiers: Orphanet 125, MedGen C0005859, MONDO:0008876, OMIM 210900.

Allele frequency attached by ClinVar (database versions not stated): TOPMed below 0.00001.

Submissions (3):

Baylor Genetics
Classification: Likely pathogenic for Bloom syndrome. Last evaluated: 2023-04-18. Review status: criteria provided, single submitter. Criteria: ACMG Guidelines, 2015. Collection method: clinical testing. Allele origin: unknown.

Labcorp Genetics (formerly Invitae), Labcorp
Classification: Likely pathogenic for Bloom syndrome. Last evaluated: 2022-07-16. Review status: criteria provided, single submitter. Criteria: Invitae Variant Classification Sherloc (09022015). Collection method: clinical testing. Allele origin: germline.
Comment: This sequence change affects a donor splice site in intron 12 of the BLM gene. It is expected to disrupt RNA splicing. Variants that disrupt the donor or acceptor splice site typically lead to a loss of protein function (PMID: 16199547), and loss-of-function variants in BLM are known to be pathogenic (PMID: 17407155). This variant is not present in population databases (gnomAD no frequency). This variant has not been reported in the literature in individuals affected with BLM-related conditions. Algorithms developed to predict the effect of sequence changes on RNA splicing suggest that this variant may disrupt the consensus splice site. In summary, the currently available evidence indicates that the variant is pathogenic, but additional data are needed to prove that conclusively. Therefore, this variant has been classified as Likely Pathogenic.

Ambry Genetics
Classification: Likely pathogenic for Hereditary cancer-predisposing syndrome. Last evaluated: 2021-03-08. Review status: criteria provided, single submitter. Criteria: Ambry Variant Classification Scheme 2023. Collection method: clinical testing. Allele origin: germline.
Comment: The c.2555+1G>A intronic variant results from a G to A substitution one nucleotide after coding exon 11 of the BLM gene. This variant is considered to be rare based on population cohorts in the Genome Aggregation Database (gnomAD). This nucleotide position is highly conserved in available vertebrate species. In silico splice site analysis predicts that this alteration will weaken the native splice donor site and may result in the creation or strengthening of a novel splice donor site. Alterations that disrupt the canonical splice site are expected to cause aberrant splicing, resulting in an abnormal protein or a transcript that is subject to nonsense-mediated mRNA decay. As such, this alteration is classified as likely pathogenic.

Literature cited by the submitters: PubMed 16199547 (cited by Labcorp Genetics (formerly Invitae), Labcorp); PubMed 17407155 (cited by Labcorp Genetics (formerly Invitae), Labcorp).